The following is an entry in ClinVar:

ClinVar aggregate classification (germline): Benign. Review status: criteria provided, multiple submitters, no conflicts (2 of 4 stars). 2 submissions from 2 submitters: Benign (2). Last evaluated 2018-06-16.

Allele frequency attached by ClinVar (database versions not stated): gnomAD 0.03230; TOPMed 0.03792; 1000 Genomes Project 0.04014; 1000 Genomes Project 30x 0.04357.
gnomAD v4.1: 9,820 of 1,500,444 alleles (0.65%); highest among the groups gnomAD compares: African/African-American, 11%; 495 homozygotes.

Submissions (2):

GeneDx
Classification: Benign. Last evaluated: 2018-06-16. Review status: criteria provided, single submitter. Criteria: GeneDx Variant Classification (06012015). Collection method: clinical testing. Allele origin: germline. Affected: yes.
Comment: This variant is considered likely benign or benign based on one or more of the following criteria: it is a conservative change, it occurs at a poorly conserved position in the protein, it is predicted to be benign by multiple in silico algorithms, and/or has population frequency not consistent with disease.

Breakthrough Genomics
Classification: Benign. Review status: criteria provided, single submitter. Criteria: ACMG Guidelines, 2015. Collection method: not provided. Allele origin: germline. Inheritance: Autosomal recessive inheritance. Affected: yes.

NM_003850.3(SUCLA2):c.803-70A>G

Gene: SUCLA2 (succinate-CoA ligase ADP-forming subunit beta; minus strand). Cytogenetic location: 13q14.2.
Variant type: single nucleotide variant.
Coding change: c.803-70A>G on transcript NM_003850.3 (MANE Select); 70 bases into the intron before coding-DNA position 803, A replaced by G.
Molecular consequence: intron variant.
Genome position (GRCh38, 1-based): chr13:47,954,627, T>C on the plus strand (A>G on the coding strand, the complement: SUCLA2 is on the minus strand). VCF-style: chr13-47954627-T-C. GRCh37 (hg19) VCF-style: chr13-48528762-T-C.
Identifiers: ClinVar variation 671696 (VCV000671696.2), dbSNP rs77955244, ClinGen allele CA249257279.